The following is an entry in ClinVar:

NM_001297.5(CNGB1):c.3121C>T (p.Arg1041Trp)

Gene: CNGB1 (cyclic nucleotide gated channel subunit beta 1; minus strand). Cytogenetic location: 16q21.
Variant type: single nucleotide variant.
Coding change: c.3121C>T on transcript NM_001297.5 (MANE Select); coding-DNA position 3121, C replaced by T.
Protein change: p.Arg1041Trp; replaces arginine 1041 with tryptophan.
Molecular consequence: missense variant.
Genome position (GRCh38, 1-based): chr16:57,897,518, G>A on the plus strand (C>T on the coding strand, the complement: CNGB1 is on the minus strand). VCF-style: chr16-57897518-G-A. GRCh37 (hg19) VCF-style: chr16-57931422-G-A.
Other names: c.3103C>T, p.Arg1035Trp (NM_001286130.2); short protein forms R1035W, R1041W.
Identifiers: ClinVar variation 963437 (VCV000963437.10), dbSNP rs775265608, ClinGen allele CA8082669.

ClinVar aggregate classification (germline): Uncertain significance. Review status: criteria provided, multiple submitters, no conflicts (2 of 4 stars). 2 submissions from 2 submitters: Uncertain significance (2). Last evaluated 2023-04-06.

Allele frequency attached by ClinVar (database versions not stated): TOPMed below 0.00001; gnomAD 0.00001; ExAC 0.00002; gnomAD exomes 0.00002.
gnomAD v4.1: 27 of 1,613,994 alleles (0.0017%); highest among the groups gnomAD compares: South Asian, 0.0099%; no homozygotes.

Submissions (2):

Blueprint Genetics
Classification: Uncertain significance. Last evaluated: 2023-04-06. Review status: criteria provided, single submitter. Criteria: ACMG Guidelines, 2015. Collection method: clinical testing. Allele origin: germline.

Labcorp Genetics (formerly Invitae), Labcorp
Classification: Uncertain significance. Last evaluated: 2019-09-09. Review status: criteria provided, single submitter. Criteria: Invitae Variant Classification Sherloc (09022015). Collection method: clinical testing. Allele origin: germline.
Comment: This variant has not been reported in the literature in individuals with CNGB1-related conditions. This sequence change replaces arginine with tryptophan at codon 1041 of the CNGB1 protein (p.Arg1041Trp). The arginine residue is highly conserved and there is a moderate physicochemical difference between arginine and tryptophan. This variant is present in population databases (rs775265608, ExAC 0.01%). Algorithms developed to predict the effect of missense changes on protein structure and function (SIFT, PolyPhen-2, Align-GVGD) all suggest that this variant is likely to be disruptive, but these predictions have not been confirmed by published functional studies and their clinical significance is uncertain. In summary, the available evidence is currently insufficient to determine the role of this variant in disease. Therefore, it has been classified as a Variant of Uncertain Significance.